The following is an entry in ClinVar:

ClinVar aggregate classification (germline): Pathogenic (1 of 4 stars; one submission).

Conditions:
Severe myoclonic epilepsy in infancy (DRVT). Also called: Epileptic encephalopathy, early infantile, 6 (Dravet syndrome); SEVERE MYOCLONIC EPILEPSY OF INFANCY; DEVELOPMENTAL AND EPILEPTIC ENCEPHALOPATHY 6A; Severe Myoclonic Epilepsy in Infancy (SMEI); Dravet syndrome. Identifiers: Orphanet 33069, MedGen C0751122, MONDO:0100135, OMIM 607208.

Submission:

Center for Bioinformatics, Peking University
Classification: Pathogenic for Dravet syndrome. Last evaluated: 2014-12-20. Review status: criteria provided, single submitter. Criteria: Xu et al. (Hum Mutat. 2015). Collection method: research. Allele origin: de novo. Affected: yes. Observed: 1 variant allele. Study: University Clinical Cooperation “985 Project” PKU-2014-1-1.
Comment: Dravet syndrome (DS) probands were recruited from the outpatient and inpatient child neurology units of Peking University First Hospital from 2005 till present. The study was approved by the Ethics Committee of Peking University First Hospital and the Institutional Review Board at Peking University. Participants or their parents provided written informed consent before enrollment. We collected a total of 267 mutations from 255 families with probands diagnosed with DS in China. All probands fulfilled the clinical diagnostic criteria.

NM_001165963.4(SCN1A):c.308G>T (p.Ser103Ile)

Gene: SCN1A (sodium voltage-gated channel alpha subunit 1; minus strand). Cytogenetic location: 2q24.3.
Variant type: single nucleotide variant.
Coding change: c.308G>T on transcript NM_001165963.4 (MANE Select); coding-DNA position 308, G replaced by T.
Protein change: p.Ser103Ile; replaces serine 103 with isoleucine.
Molecular consequence: missense variant. On other transcripts: 5 prime UTR variant (1), non-coding transcript variant (1).
Genome position (GRCh38, 1-based): chr2:166,058,645, C>A on the plus strand (G>T on the coding strand, the complement: SCN1A is on the minus strand). VCF-style: chr2-166058645-C-A. GRCh37 (hg19) VCF-style: chr2-166915155-C-A.
Other names: c.308G>T, p.Ser103Ile (NM_001165964.3, NM_001202435.3, NM_001353948.2 and 10 more transcripts); c.-2118G>T (NM_001353961.2); short protein forms S103I.
Identifiers: ClinVar variation 189899 (VCV000189899.1), dbSNP rs760361423, ClinGen allele CA303246.